The following is an entry in ClinVar:

ClinVar aggregate classification (germline): Likely benign. Review status: criteria provided, multiple submitters, no conflicts (2 of 4 stars). 2 submissions from 2 submitters: Likely benign (2). Last evaluated 2024-11-21.

Allele frequency attached by ClinVar (database versions not stated): ESP Exome Variant Server 0.00015; gnomAD 0.00015; 1000 Genomes Project 30x 0.00016; ExAC 0.00017; gnomAD exomes 0.00018; TOPMed 0.00019; 1000 Genomes Project 0.00020.

Submissions (2):

Blueprint Genetics
Classification: Likely benign. Last evaluated: 2024-11-21. Review status: criteria provided, single submitter. Criteria: ACMG Guidelines, 2015. Collection method: clinical testing. Allele origin: germline.

CeGaT Center for Human Genetics Tuebingen
Classification: Likely benign. Last evaluated: 2022-10-01. Review status: criteria provided, single submitter. Criteria: CeGaT Center For Human Genetics Tuebingen Variant Classification Criteria Version 2. Collection method: clinical testing. Allele origin: germline. Affected: yes. Observed: 1 variant allele.
Comment: EXO1: BP4, BP7

NM_130398.4(EXO1):c.1863G>A (p.Thr621=)

Gene: EXO1 (exonuclease 1; plus strand). Cytogenetic location: 1q43.
Variant type: single nucleotide variant.
Coding change: c.1863G>A on transcript NM_130398.4 (MANE Select); coding-DNA position 1863, G replaced by A.
Protein change: p.Thr621=; no amino-acid change (threonine 621 retained).
Molecular consequence: synonymous variant.
Genome position (GRCh38, 1-based): chr1:241,879,097, G>A. VCF-style: chr1-241879097-G-A. GRCh37 (hg19) VCF-style: chr1-242042399-G-A.
Other names: c.1860G>A, p.Thr620= (NM_001319224.2); c.1863G>A, p.Thr621= (NM_003686.4, NM_006027.4).
Identifiers: ClinVar variation 2640209 (VCV002640209.25), dbSNP rs183863413, ClinGen allele CA1481452.